The following is an entry in ClinVar:

NM_004006.3(DMD):c.8471A>G (p.Lys2824Arg)

Gene: DMD (dystrophin; minus strand). Cytogenetic location: Xp21.2.
Variant type: single nucleotide variant.
Coding change: c.8471A>G on transcript NM_004006.3 (MANE Select); coding-DNA position 8471, A replaced by G.
Protein change: p.Lys2824Arg; replaces lysine 2824 with arginine.
Molecular consequence: missense variant.
Genome position (GRCh38, 1-based): chrX:31,496,864, T>C on the plus strand (A>G on the coding strand, the complement: DMD is on the minus strand). VCF-style: chrX-31496864-T-C. GRCh37 (hg19) VCF-style: chrX-31514981-T-C.
Other names: c.8447A>G, p.Lys2816Arg (NM_000109.4); c.8459A>G, p.Lys2820Arg (NM_004009.3); c.8102A>G, p.Lys2701Arg (NM_004010.3); c.4448A>G, p.Lys1483Arg (NM_004011.4); c.4439A>G, p.Lys1480Arg (NM_004012.4); c.1091A>G, p.Lys364Arg (NM_004013.3, NM_004020.4, NM_004021.3 and 2 more transcripts); c.284A>G, p.Lys95Arg (NM_004014.3); short protein forms K1483R, K2701R, K364R, K1480R, K2824R, K2820R, K2816R, K95R.
Identifiers: ClinVar variation 3011625 (VCV003011625.3), dbSNP rs2525733719, ClinGen allele CA412655521.
Genomic context (GRCh38, chrX:31,496,864, plus strand): 5'-TGCTTCTGAACTGCTGGAAAGTCGCCTCCAATAGGTGCCTGCCGGCTTAATTCATCATCT[T>C]TCAGCTGTAGCCACACCAGAAGTTCCTGCAGAGAAAGGTGCAGACGCTTCCACTGGTCAG-3'
Protein context (NP_003997.2, residues 2814-2834): LQELLVWLQL[Lys2824Arg]DDELSRQAPI

ClinVar aggregate classification (germline): Uncertain significance (1 of 4 stars; one submission).

Conditions:
Duchenne muscular dystrophy (DMD). Also called: MUSCULAR DYSTROPHY, PSEUDOHYPERTROPHIC PROGRESSIVE, DUCHENNE TYPE; Duchenne Muscular Dystrophy (DMD). Identifiers: Orphanet 98896, MedGen C0013264, MONDO:0010679, OMIM 310200.

gnomAD v4.1: 1 of 1,211,821 alleles (0.000083%); no homozygotes.

Submission:

Labcorp Genetics (formerly Invitae), Labcorp
Classification: Uncertain significance for Duchenne muscular dystrophy. Last evaluated: 2023-02-21. Review status: criteria provided, single submitter. Criteria: Invitae Variant Classification Sherloc (09022015). Collection method: clinical testing. Allele origin: germline.
Comment: In summary, the available evidence is currently insufficient to determine the role of this variant in disease. Therefore, it has been classified as a Variant of Uncertain Significance. Advanced modeling of protein sequence and biophysical properties (such as structural, functional, and spatial information, amino acid conservation, physicochemical variation, residue mobility, and thermodynamic stability) performed at Invitae indicates that this missense variant is not expected to disrupt DMD protein function. This variant has not been reported in the literature in individuals affected with DMD-related conditions. This variant is not present in population databases (gnomAD no frequency). This sequence change replaces lysine, which is basic and polar, with arginine, which is basic and polar, at codon 2824 of the DMD protein (p.Lys2824Arg).